The following is an entry in ClinVar:

NM_018418.5(SPATA7):c.1255T>C (p.Leu419=)

Gene: SPATA7 (spermatogenesis associated 7; plus strand). Cytogenetic location: 14q31.3.
Variant type: single nucleotide variant.
Coding change: c.1255T>C on transcript NM_018418.5 (MANE Select); coding-DNA position 1255, T replaced by C.
Protein change: p.Leu419=; no amino-acid change (leucine 419 retained).
Molecular consequence: synonymous variant.
Genome position (GRCh38, 1-based): chr14:88,437,877, T>C. VCF-style: chr14-88437877-T-C. GRCh37 (hg19) VCF-style: chr14-88904221-T-C.
Other names: c.1159T>C, p.Leu387= (NM_001040428.4).
Identifiers: ClinVar variation 534952 (VCV000534952.14), dbSNP rs112976233, ClinGen allele CA7298786.

ClinVar aggregate classification (germline): Conflicting classifications of pathogenicity. Review status: criteria provided, conflicting classifications (1 of 4 stars). 3 submissions from 2 submitters: Uncertain significance (1); Benign (2). Last evaluated 2026-02-01.

Conditions:
Leber congenital amaurosis 3 (LCA3). Also called: SPATA7-Related Retinitis Pigmentosa. Identifiers: MedGen C1858677, MONDO:0011415, OMIM 604232.
Retinitis pigmentosa (RP). Identifiers: Orphanet 791, MedGen C0035334, MeSH D012174, MONDO:0019200, OMIM 268000. Inheritance: Autosomal dominant, autosomal recessive and X linked inheritance.

Allele frequency attached by ClinVar (database versions not stated): gnomAD exomes 0.00140 and 0.00367; ExAC 0.00455; gnomAD 0.01438 and 0.01543; 1000 Genomes Project 0.01577; 1000 Genomes Project 30x 0.01608; ESP Exome Variant Server 0.01622; TOPMed 0.01651.
gnomAD v4.1: 4,319 of 1,608,652 alleles (0.27%); highest among the groups gnomAD compares: African/African-American, 4.9%; 95 homozygotes.

Submissions (3):

Labcorp Genetics (formerly Invitae), Labcorp
Classification: Benign for Leber congenital amaurosis 3. Last evaluated: 2026-02-01. Review status: criteria provided, single submitter. Criteria: Invitae Variant Classification Sherloc (09022015). Collection method: clinical testing. Allele origin: germline.

Illumina Laboratory Services, Illumina
Classification: Benign for Leber congenital amaurosis 3. Last evaluated: 2017-04-28. Review status: criteria provided, single submitter. Criteria: ICSL Variant Classification Criteria 13 December 2019. Collection method: clinical testing. Allele origin: germline.
Comment: This variant was observed as part of a predisposition screen in an ostensibly healthy population. A literature search was performed for the gene, cDNA change, and amino acid change (where applicable). No publications were found based on this search. Allele frequency data from public databases was too high to be consistent with this variant causing disease. Therefore, this variant is classified as benign.

Illumina Laboratory Services, Illumina
Classification: Uncertain significance for Retinitis pigmentosa. Last evaluated: 2017-04-28. Review status: criteria provided, single submitter. Criteria: ICSL Variant Classification Criteria 13 December 2019. Collection method: clinical testing. Allele origin: germline.